The following is an entry in ClinVar:

ClinVar aggregate classification (germline): Benign. Review status: reviewed by expert panel (3 of 4 stars). 4 submissions from 4 submitters: Benign (1). 3 of the submissions do not count toward it. Last evaluated 2024-04-18.

Conditions:
Christianson syndrome (MRXSCH). Also called: INTELLECTUAL DEVELOPMENTAL DISORDER, X-LINKED, SYNDROMIC, CHRISTIANSON TYPE; SLC9A6-Related Syndromic Mental Retardation; X-linked mental retardation, syndromic, Christianson type. Identifiers: Orphanet 85278, MedGen C2678194, MONDO:0010278, OMIM 300243.

Submissions (4):

ClinGen Rett and Angelman-like Disorders Variant Curation Expert Panel
Classification: Benign for Christianson syndrome. Last evaluated: 2024-04-18. Review status: reviewed by expert panel. Criteria: ClinGen RettAS ACMG Specifications SLC9A6 V3.0.0. Collection method: curation. Allele origin: germline. Inheritance: X-linked inheritance.
Comment: The allele frequency of the c.*5_*8delinsTT variant (denoted as c.*5_*6del + c.*8 A>T) in SLC9A6 is 0.27% in European (non-Finnish) sub population in gnomAD v4.0, which is high enough to be classified as benign based on thresholds defined by the ClinGen Rett/Angelman-like Expert Panel for Rett/AS-like conditions (BA1). In summary, the c.*5_*8delinsTT variant in SLC9A6 is classified as benign based on the ACMG/AMP criteria (BA1).

Athena Diagnostics
Classification: Uncertain significance. Last evaluated: 2024-04-11. Review status: criteria provided, single submitter. Criteria: Athena Diagnostics Criteria. Collection method: clinical testing. Allele origin: unknown. Not counted in ClinVar's aggregate classification.
Comment: Available data are insufficient to determine the clinical significance of the variant at this time. This variant has not been reported in large, multi-ethnic general populations. Computational tools yielded predictions that this variant is unlikely to have an effect on normal RNA splicing.

GeneDx
Classification: Likely benign. Last evaluated: 2017-11-06. Review status: criteria provided, single submitter. Criteria: GeneDx Variant Classification Process June 2021. Collection method: clinical testing. Allele origin: germline. Affected: yes. Not counted in ClinVar's aggregate classification.

Eurofins Ntd Llc (ga)
Classification: Benign. Last evaluated: 2015-10-16. Review status: criteria provided, single submitter. Criteria: EGL Classification Definitions 2015. Collection method: clinical testing. Allele origin: germline. Observed: 1 variant allele, 1 heterozygote. Not counted in ClinVar's aggregate classification.

NM_001379110.1(SLC9A6):c.*5_*8delinsTT

Gene: SLC9A6 (solute carrier family 9 member A6; plus strand). Cytogenetic location: Xq26.3.
Variant type: Indel.
Coding change: c.*5_*8delinsTT on transcript NM_001379110.1 (MANE Select); 5 bases downstream of the stop codon through 8 bases downstream of the stop codon, ACTA replaced by TT.
Molecular consequence: 3 prime UTR variant.
Genome position (GRCh38, 1-based): chrX:136,044,729-136,044,732, ACTA replaced by TT. VCF-style: chrX-136044729-ACTA-TT. GRCh37 (hg19) VCF-style: chrX-135126888-ACTA-TT.
Other names: c.*5_*8delinsTT (NM_001042537.2, NM_001177651.2, NM_001330652.2 and 1 more transcripts).
Identifiers: ClinVar variation 194643 (VCV000194643.11), dbSNP rs797044655, ClinGen allele CA201278.